The following is an entry in ClinVar:

ClinVar aggregate classification (germline): Uncertain significance (1 of 4 stars; one submission).

Submission:

Mayo Clinic Laboratories, Mayo Clinic
Classification: Uncertain significance. Last evaluated: 2024-11-15. Review status: criteria provided, single submitter. Criteria: ACMG Guidelines, 2015. Collection method: clinical testing. Allele origin: germline. Observed: 1 variant allele.
Comment: BP4

NM_138272.3(MPIG6B):c.262G>A (p.Asp88Asn)

Gene: MPIG6B (megakaryocyte and platelet inhibitory receptor G6b; plus strand). Cytogenetic location: 6p21.33.
Variant type: single nucleotide variant.
Coding change: c.262G>A on transcript NM_138272.3 (MANE Select); coding-DNA position 262, G replaced by A.
Protein change: p.Asp88Asn; replaces aspartic acid 88 with asparagine.
Molecular consequence: missense variant.
Genome position (GRCh38, 1-based): chr6:31,723,839, G>A. VCF-style: chr6-31723839-G-A. GRCh37 (hg19) VCF-style: chr6-31691616-G-A.
Other names: p.Asp88Asn; c.262G>A, p.Asp88Asn (NM_025260.4, NM_138273.3, NM_138274.3 and 2 more transcripts); short protein forms D88N.
Identifiers: ClinVar variation 4541108 (VCV004541108.1).